The following is an entry in ClinVar:

ClinVar aggregate classification (germline): Pathogenic (1 of 4 stars; one submission).

Submission:

Clinical Genomics Laboratory, Laboratory for Precision Diagnostics, University of Washington
Classification: Pathogenic. Last evaluated: 2023-01-30. Review status: criteria provided, single submitter. Criteria: ACMG/ClinGen CNV Guidelines, 2019. Collection method: clinical testing. Allele origin: unknown. Affected: yes. Observed: 1 variant allele.
Comment: The deletion removes the entirety of PRKAR1A (NM_002734.5). This deletion is expected to cause loss of function of this copy of the gene. Heterozygous loss-of-function variants in PRKAR1A cause Carney complex (OMIM 160980), an autosomal dominant multiple neoplasia syndrome characterized by cardiac, endocrine, cutaneous, and neural myxomatous tumors, and skin pigmentary abnormalities (PMID: 30428497). PMID: 28973408 found a whole-gene deletion of PRKAR1A in a pair of twins with differing manifestations of Carney complex.

Literature cited by the submitters: PubMed 30428497; PubMed 28973408.

GRCh38/hg38 17q24.2(chr17:68496595-68597992)x1

Genes: FAM20A (FAM20A golgi associated secretory pathway pseudokinase; minus strand), PRKAR1A (protein kinase cAMP-dependent type I regulatory subunit alpha; plus strand), LOC125316783 (Sharpr-MPRA regulatory region 15560; plus strand). Cytogenetic location: 17q24.2.
Variant type: copy number loss.
Change: copy number 1 (one copy instead of two) of chr17:68,496,595-68,597,992 (101.4 kb, GRCh38 coordinates, 1-based), cytogenetic band 17q24.2.
Identifiers: ClinVar variation 4890932 (VCV004890932.1).